The following is an entry in ClinVar:

ClinVar aggregate classification (germline): Uncertain significance. Review status: criteria provided, multiple submitters, no conflicts (2 of 4 stars). 2 submissions from 2 submitters: Uncertain significance (2). Last evaluated 2024-08-20.

Conditions:
Inborn genetic diseases. Identifiers: MedGen C0950123, MeSH D030342.

Allele frequency attached by ClinVar (database versions not stated): gnomAD exomes 0.00001.
gnomAD v4.1: 6 of 1,614,148 alleles (0.00037%); highest among the groups gnomAD compares: Non-Finnish European, 0.00051%; no homozygotes.

Submissions (2):

Ambry Genetics
Classification: Uncertain significance for Inborn genetic diseases. Last evaluated: 2024-08-20. Review status: criteria provided, single submitter. Criteria: Ambry Variant Classification Scheme 2023. Collection method: clinical testing. Allele origin: germline.

Labcorp Genetics (formerly Invitae), Labcorp
Classification: Uncertain significance. Last evaluated: 2023-07-17. Review status: criteria provided, single submitter. Criteria: Invitae Variant Classification Sherloc (09022015). Collection method: clinical testing. Allele origin: germline.
Comment: In summary, the available evidence is currently insufficient to determine the role of this variant in disease. Therefore, it has been classified as a Variant of Uncertain Significance. An algorithm developed to predict the effect of missense changes on protein structure and function (PolyPhen-2) suggests that this variant is likely to be tolerated. ClinVar contains an entry for this variant (Variation ID: 1505256). This variant has not been reported in the literature in individuals affected with RORB-related conditions. This variant is not present in population databases (gnomAD no frequency). This sequence change replaces isoleucine, which is neutral and non-polar, with valine, which is neutral and non-polar, at codon 183 of the RORB protein (p.Ile183Val).

NM_006914.4(RORB):c.547A>G (p.Ile183Val)

Gene: RORB (RAR related orphan receptor B; plus strand). Cytogenetic location: 9q21.13.
Variant type: single nucleotide variant.
Coding change: c.547A>G on transcript NM_006914.4 (MANE Select); coding-DNA position 547, A replaced by G.
Protein change: p.Ile183Val; replaces isoleucine 183 with valine.
Molecular consequence: missense variant.
Genome position (GRCh38, 1-based): chr9:74,642,725, A>G. VCF-style: chr9-74642725-A-G. GRCh37 (hg19) VCF-style: chr9-77257641-A-G.
Other names: c.547A>G (NM_006914.3); c.580A>G, p.Ile194Val (NM_001365023.1); short protein forms I183V, I194V.
Identifiers: ClinVar variation 1505256 (VCV001505256.7), dbSNP rs2118463411, ClinGen allele CA373770101.